The following is an entry in ClinVar:

ClinVar aggregate classification (germline): Uncertain significance. Review status: criteria provided, multiple submitters, no conflicts (2 of 4 stars). 2 submissions from 2 submitters: Uncertain significance (2). Last evaluated 2025-07-15.

Allele frequency attached by ClinVar (database versions not stated): ExAC 0.00002; TOPMed 0.00002; gnomAD exomes 0.00003.
gnomAD v4.1: 16 of 1,614,046 alleles (0.00099%); highest among the groups gnomAD compares: Admixed American, 0.022%; no homozygotes.

Submissions (2):

Ambry Genetics
Classification: Uncertain significance. Last evaluated: 2025-07-15. Review status: criteria provided, single submitter. Criteria: Ambry Variant Classification Scheme 2023. Collection method: clinical testing. Allele origin: germline.

Labcorp Genetics (formerly Invitae), Labcorp
Classification: Uncertain significance. Last evaluated: 2023-07-20. Review status: criteria provided, single submitter. Criteria: Invitae Variant Classification Sherloc (09022015). Collection method: clinical testing. Allele origin: germline.
Comment: In summary, the available evidence is currently insufficient to determine the role of this variant in disease. Therefore, it has been classified as a Variant of Uncertain Significance. Advanced modeling of protein sequence and biophysical properties (such as structural, functional, and spatial information, amino acid conservation, physicochemical variation, residue mobility, and thermodynamic stability) performed at Invitae indicates that this missense variant is not expected to disrupt PITPNM3 protein function. ClinVar contains an entry for this variant (Variation ID: 1935862). This variant has not been reported in the literature in individuals affected with PITPNM3-related conditions. This variant is present in population databases (rs754042795, gnomAD 0.02%). This sequence change replaces isoleucine, which is neutral and non-polar, with threonine, which is neutral and polar, at codon 806 of the PITPNM3 protein (p.Ile806Thr).

NM_031220.4(PITPNM3):c.2417T>C (p.Ile806Thr)

Gene: PITPNM3 (PITPNM family member 3; minus strand). Cytogenetic location: 17p13.2.
Variant type: single nucleotide variant.
Coding change: c.2417T>C on transcript NM_031220.4 (MANE Select); coding-DNA position 2417, T replaced by C.
Protein change: p.Ile806Thr; replaces isoleucine 806 with threonine.
Molecular consequence: missense variant.
Genome position (GRCh38, 1-based): chr17:6,461,446, A>G on the plus strand (T>C on the coding strand, the complement: PITPNM3 is on the minus strand). VCF-style: chr17-6461446-A-G. GRCh37 (hg19) VCF-style: chr17-6364766-A-G.
Other names: c.2417T>C (NM_031220.3); c.2309T>C, p.Ile770Thr (NM_001165966.2); short protein forms I770T, I806T.
Identifiers: ClinVar variation 1935862 (VCV001935862.6), dbSNP rs754042795, ClinGen allele CA8329184.